The following is an entry in ClinVar:

ClinVar aggregate classification (germline): Uncertain significance (1 of 4 stars; one submission).

Conditions:
Idiopathic generalized epilepsy. Also called: EIG; Generalised epilepsy. Identifiers: MedGen C0270850, MONDO:0005579, OMIM 600669.
Hyperaldosteronism, familial, type IV (HALD4). Also called: FH IV; ALDOSTERONISM, PRIMARY, AND HYPERTENSION. Identifiers: Orphanet 642671, MedGen C4310756, MONDO:0014875, OMIM 617027.

Submission:

Labcorp Genetics (formerly Invitae), Labcorp
Classification: Uncertain significance for Idiopathic generalized epilepsy; Hyperaldosteronism, familial, type IV. Last evaluated: 2025-07-23. Review status: criteria provided, single submitter. Criteria: Invitae Variant Classification Sherloc (09022015). Collection method: clinical testing. Allele origin: germline.
Comment: This sequence change replaces serine, which is neutral and polar, with tyrosine, which is neutral and polar, at codon 1987 of the CACNA1H protein (p.Ser1987Tyr). This variant is not present in population databases (gnomAD no frequency). This variant has not been reported in the literature in individuals affected with CACNA1H-related conditions. Invitae Evidence Modeling of protein sequence and biophysical properties (such as structural, functional, and spatial information, amino acid conservation, physicochemical variation, residue mobility, and thermodynamic stability) indicates that this missense variant is not expected to disrupt CACNA1H protein function with a negative predictive value of 80%. In summary, the available evidence is currently insufficient to determine the role of this variant in disease. Therefore, it has been classified as a Variant of Uncertain Significance.

NM_021098.3(CACNA1H):c.5960C>A (p.Ser1987Tyr)

Gene: CACNA1H (calcium voltage-gated channel subunit alpha1 H; plus strand). Cytogenetic location: 16p13.3.
Variant type: single nucleotide variant.
Coding change: c.5960C>A on transcript NM_021098.3 (MANE Select); coding-DNA position 5960, C replaced by A.
Protein change: p.Ser1987Tyr; replaces serine 1987 with tyrosine.
Molecular consequence: missense variant.
Genome position (GRCh38, 1-based): chr16:1,219,042, C>A. VCF-style: chr16-1219042-C-A. GRCh37 (hg19) VCF-style: chr16-1269042-C-A.
Other names: c.5942C>A, p.Ser1981Tyr (NM_001005407.2); short protein forms S1987Y, S1981Y.
Identifiers: ClinVar variation 4783341 (VCV004783341.1).
Genomic context (GRCh38, chr16:1,219,042, plus strand): 5'-CTGTGCACTCTCCGCCCGCAGAGTCCTGTGCCTCCCTCCAGATCCCATTGGCTGTGTCGT[C>A]CCCAGCCAGGAGCGGCGAGCCCCTCCACGCCCTGTCCCCTCGGGGCACAGCCCGCTCCCC-3'
Protein context (NP_066921.2, residues 1977-1997): ASLQIPLAVS[Ser1987Tyr]PARSGEPLHA